The following is an entry in ClinVar:

ClinVar aggregate classification (germline): Benign/Likely benign. Review status: criteria provided, multiple submitters, no conflicts (2 of 4 stars). 2 submissions from 2 submitters: Benign (1); Likely benign (1). Last evaluated 2024-11-26.

Submissions (2):

Blueprint Genetics
Classification: Likely benign. Last evaluated: 2024-11-26. Review status: criteria provided, single submitter. Criteria: ACMG Guidelines, 2015. Collection method: clinical testing. Allele origin: germline.

Mayo Clinic Laboratories, Mayo Clinic
Classification: Benign. Last evaluated: 2022-09-23. Review status: criteria provided, single submitter. Criteria: ACMG Guidelines, 2015. Collection method: clinical testing. Allele origin: germline. Observed: 100 variant alleles.
Comment: BA1, BP4, BP7

NM_017415.3(KLHL3):c.527-8del

Gene: KLHL3 (kelch like family member 3; minus strand). Cytogenetic location: 5q31.2.
Variant type: Deletion.
Coding change: c.527-8del on transcript NM_017415.3 (MANE Select); 8 bases into the intron before coding-DNA position 527, one base deleted (T; older notation c.527-8delT).
Molecular consequence: intron variant.
Genome position (GRCh38, 1-based): chr5:137,677,662, A deleted on the plus strand (T on the coding strand, the reverse complement: KLHL3 is on the minus strand); the first of 14 consecutive A bases (chr5:137,677,662-137,677,675); deleting any one gives the same sequence. VCF-style (leftmost placement, unchanged base first): chr5-137677661-CA-C. GRCh37 (hg19) VCF-style: chr5-137013350-CA-C.
Other names: p.?; c.431-8del (NM_001257194.1); c.281-8del (NM_001257195.2).
Identifiers: ClinVar variation 4684860 (VCV004684860.2).